The following is an entry in ClinVar:

NM_030777.4(SLC2A10):c.727C>A (p.Gln243Lys)

Gene: SLC2A10 (solute carrier family 2 member 10; plus strand). Cytogenetic location: 20q13.12.
Variant type: single nucleotide variant.
Coding change: c.727C>A on transcript NM_030777.4 (MANE Select); coding-DNA position 727, C replaced by A.
Protein change: p.Gln243Lys; replaces glutamine 243 with lysine.
Molecular consequence: missense variant.
Genome position (GRCh38, 1-based): chr20:46,725,763, C>A. VCF-style: chr20-46725763-C-A. GRCh37 (hg19) VCF-style: chr20-45354402-C-A.
Other names: short protein forms Q243K.
Identifiers: ClinVar variation 1450973 (VCV001450973.9), dbSNP rs1434246419, ClinGen allele CA409267924.

ClinVar aggregate classification (germline): Likely pathogenic. Review status: criteria provided, multiple submitters, no conflicts (2 of 4 stars). 2 submissions from 2 submitters: Likely pathogenic (2). Last evaluated 2025-03-05.

Conditions:
Arterial tortuosity syndrome (ATORS). Identifiers: Orphanet 3342, MedGen C1859726, MONDO:0008818, OMIM 208050.

Allele frequency attached by ClinVar (database versions not stated): gnomAD exomes below 0.00001; gnomAD 0.00001.
gnomAD v4.1: 2 of 1,614,092 alleles (0.00012%); highest among the groups gnomAD compares: Non-Finnish European, 0.00017%; no homozygotes.

Submissions (2):

Shaine Morris Lab, Baylor College of Medicine
Classification: Likely pathogenic for Arterial tortuosity syndrome. Last evaluated: 2025-03-05. Review status: criteria provided, single submitter. Criteria: ACMG Guidelines, 2015. Collection method: clinical testing. Allele origin: maternal. Inheritance: Autosomal recessive inheritance. Affected: yes. Observed: 1 compound heterozygote.
Comment: We are submitting the c.727C>A variant in the SLC2A10 gene, located in exon 2, which results in the p.Gln243Lys amino acid substitution and suspected to alter protein function. This missense variant has been previously reported in the literature (PMID 28726533) and is classified as likely pathogenic in ClinVar. Based on the clinical and molecular evidence in our study, we are submitting it again as likely pathogenic. Supporting Evidence for Classification: We assigned the following criteria to this variant: PP3: Computational predictions indicate a damaging effect of the p.Gln243Lys substitution. The REVEL score of 0.907 is well above the pathogenicity threshold, supporting the likelihood that this variant disrupts normal GLUT10 protein function. The presence of characteristic ATS phenotypic features provides additional support for the pathogenicity of this variant. PM2: The variant is extremely rare in the general population, with a minor allele frequency (MAF) of 6.84E-07 in gnomAD. This rarity is consistent with disease-causing variants in SLC2A10, supporting its classification as likely pathogenic. The presence of this variant in trans with another suspected disease-associated variant in an individual with ATS strengthens the likelihood that it contributes to disease. In conclusion, based on strong computational, clinical, and genetic evidence, we classify the c.727C>A (p.Gln243Lys) variant in SLC2A10 as likely pathogenic.

Labcorp Genetics (formerly Invitae), Labcorp
Classification: Likely pathogenic for Arterial tortuosity syndrome. Last evaluated: 2025-02-27. Review status: criteria provided, single submitter. Criteria: Invitae Variant Classification Sherloc (09022015). Collection method: clinical testing. Allele origin: germline.
Comment: This sequence change replaces glutamine, which is neutral and polar, with lysine, which is basic and polar, at codon 243 of the SLC2A10 protein (p.Gln243Lys). This variant is present in population databases (no rsID available, gnomAD 0.0009%). This missense change has been observed in individual(s) with clinical features of SCL2A10-related conditions (PMID: 25907466, 28726533, 29323665). ClinVar contains an entry for this variant (Variation ID: 1450973). Invitae Evidence Modeling of protein sequence and biophysical properties (such as structural, functional, and spatial information, amino acid conservation, physicochemical variation, residue mobility, and thermodynamic stability) indicates that this missense variant is expected to disrupt SLC2A10 protein function with a positive predictive value of 95%. In summary, the currently available evidence indicates that the variant is pathogenic, but additional data are needed to prove that conclusively. Therefore, this variant has been classified as Likely Pathogenic.

Literature cited by the submitters: PubMed 29323665 (cited by Shaine Morris Lab, Baylor College of Medicine and Labcorp Genetics (formerly Invitae), Labcorp); PubMed 28726533 (cited by Shaine Morris Lab, Baylor College of Medicine and Labcorp Genetics (formerly Invitae), Labcorp); PubMed 25907466 (cited by Labcorp Genetics (formerly Invitae), Labcorp).